The following is an entry in ClinVar:

NC_000009.11:g.(?_98009704)_(98009808_?)del

Gene: FANCC (FA complementation group C; minus strand). Cytogenetic location: 9q22.32.
Variant type: Deletion.
Identifiers: ClinVar variation 1454577 (VCV001454577.6).

ClinVar aggregate classification (germline): Pathogenic (1 of 4 stars; one submission).

Conditions:
Fanconi anemia (FA). Also called: Fanconi's anemia. Identifiers: Orphanet 84, MedGen C0015625, MeSH D005199, MONDO:0019391.

Submission:

Labcorp Genetics (formerly Invitae), Labcorp
Classification: Pathogenic for Fanconi anemia. Last evaluated: 2022-03-17. Review status: criteria provided, single submitter. Criteria: Invitae Variant Classification Sherloc (09022015). Collection method: clinical testing. Allele origin: germline.
Comment: This variant is a gross deletion of the genomic region encompassing exon(s) 3 of the FANCC gene. This deletion is out-of-frame, and is expected to create a premature termination codon and result in an absent or disrupted protein product. Loss-of-function variants in FANCC are known to be pathogenic (PMID: 17924555). This variant has not been reported in the literature in individuals affected with FANCC-related conditions. For these reasons, this variant has been classified as Pathogenic.

Literature cited by the submitters: PubMed 17924555.